The following is an entry in ClinVar:

NM_032444.4(SLX4):c.401C>T (p.Ala134Val)

Gene: SLX4 (SLX4 structure-specific endonuclease subunit; minus strand). Cytogenetic location: 16p13.3.
Variant type: single nucleotide variant.
Coding change: c.401C>T on transcript NM_032444.4 (MANE Select); coding-DNA position 401, C replaced by T.
Protein change: p.Ala134Val; replaces alanine 134 with valine.
Molecular consequence: missense variant.
Genome position (GRCh38, 1-based): chr16:3,608,564, G>A on the plus strand (C>T on the coding strand, the complement: SLX4 is on the minus strand). VCF-style: chr16-3608564-G-A. GRCh37 (hg19) VCF-style: chr16-3658565-G-A.
Other names: short protein forms A134V.
Identifiers: ClinVar variation 950980 (VCV000950980.11), dbSNP rs759574554, ClinGen allele CA7866887.

ClinVar aggregate classification (germline): Uncertain significance. Review status: criteria provided, multiple submitters, no conflicts (2 of 4 stars). 2 submissions from 2 submitters: Uncertain significance (2). Last evaluated 2022-06-19.

Conditions:
Fanconi anemia (FA). Also called: Fanconi's anemia. Identifiers: Orphanet 84, MedGen C0015625, MeSH D005199, MONDO:0019391.

Allele frequency attached by ClinVar (database versions not stated): ExAC 0.00001; gnomAD 0.00002; gnomAD exomes 0.00002 and 0.00006; TOPMed 0.00002.
gnomAD v4.1: 83 of 1,614,070 alleles (0.0051%); highest among the groups gnomAD compares: Non-Finnish European, 0.0066%; no homozygotes.

Submissions (2):

Labcorp Genetics (formerly Invitae), Labcorp
Classification: Uncertain significance for Fanconi anemia. Last evaluated: 2022-06-19. Review status: criteria provided, single submitter. Criteria: Invitae Variant Classification Sherloc (09022015). Collection method: clinical testing. Allele origin: germline.
Comment: This variant has not been reported in the literature in individuals affected with SLX4-related conditions. This variant is present in population databases (rs759574554, gnomAD 0.004%). This sequence change replaces alanine, which is neutral and non-polar, with valine, which is neutral and non-polar, at codon 134 of the SLX4 protein (p.Ala134Val). ClinVar contains an entry for this variant (Variation ID: 950980). In summary, the available evidence is currently insufficient to determine the role of this variant in disease. Therefore, it has been classified as a Variant of Uncertain Significance. Algorithms developed to predict the effect of missense changes on protein structure and function (SIFT, PolyPhen-2, Align-GVGD) all suggest that this variant is likely to be tolerated.

Genetic Services Laboratory, University of Chicago
Classification: Uncertain significance. Last evaluated: 2018-06-12. Review status: criteria provided, single submitter. Criteria: ACMG Guidelines, 2015. Collection method: clinical testing. Allele origin: germline. Affected: no.